The following is an entry in ClinVar:

ClinVar aggregate classification (germline): Likely benign. Review status: criteria provided, multiple submitters, no conflicts (2 of 4 stars). 2 submissions from 2 submitters: Likely benign (2). Last evaluated 2026-01-15.

Allele frequency attached by ClinVar (database versions not stated): gnomAD exomes 0.00006; gnomAD 0.00008 and 0.00009; TOPMed 0.00009; 1000 Genomes Project 30x 0.00016.
gnomAD v4.1: 38 of 1,500,882 alleles (0.0025%); highest among the groups gnomAD compares: Middle Eastern, 0.037%; no homozygotes.

Submissions (2):

Labcorp Genetics (formerly Invitae), Labcorp
Classification: Likely benign. Last evaluated: 2026-01-15. Review status: criteria provided, single submitter. Criteria: Invitae Variant Classification Sherloc (09022015). Collection method: clinical testing. Allele origin: germline.

Mayo Clinic Laboratories, Mayo Clinic
Classification: Likely benign. Last evaluated: 2025-01-10. Review status: criteria provided, single submitter. Criteria: ACMG Guidelines, 2015. Collection method: clinical testing. Allele origin: germline. Observed: 1 variant allele.
Comment: BP4, BP7, PM2_supporting

NM_001142864.4(PIEZO1):c.1196-9C>T

Genes: HSALR1 (HSP90AB1 associated lncRNA 1; plus strand), PIEZO1 (piezo type mechanosensitive ion channel component 1 (Er blood group); minus strand). Cytogenetic location: 16q24.3.
Variant type: single nucleotide variant.
Coding change: c.1196-9C>T on transcript NM_001142864.4 (MANE Select); 9 bases into the intron before coding-DNA position 1196, C replaced by T.
Molecular consequence: intron variant.
Genome position (GRCh38, 1-based): chr16:88,736,748, G>A on the plus strand (C>T on the coding strand, the complement: PIEZO1 is on the minus strand). VCF-style: chr16-88736748-G-A. GRCh37 (hg19) VCF-style: chr16-88803156-G-A.
Other names: p.?.
Identifiers: ClinVar variation 726153 (VCV000726153.5), dbSNP rs923586703, ClinGen allele CA286433617.